The following is an entry in ClinVar:

NM_133497.4(KCNV2):c.700dup (p.Arg234fs)

Gene: KCNV2 (potassium voltage-gated channel modifier subfamily V member 2; plus strand). Cytogenetic location: 9p24.2.
Variant type: Duplication.
Coding change: c.700dup on transcript NM_133497.4 (MANE Select); coding-DNA position 700, one base duplicated (C; older notation c.700dupC).
Protein change: p.Arg234fs; shifts the reading frame from arginine 234.
Molecular consequence: frameshift variant.
Genome position (GRCh38, 1-based): chr9:2,718,439, C duplicated; the last of 2 consecutive C bases (chr9:2,718,438-2,718,439); duplicating either gives the same sequence. VCF-style (leftmost placement, unchanged base first): chr9-2718437-T-TC. GRCh37 (hg19) VCF-style: chr9-2718437-T-TC.
Other names: short protein forms R234fs.
Identifiers: ClinVar variation 2745186 (VCV002745186.3), dbSNP rs2536972468, ClinGen allele CA2697550286.
Genomic context (GRCh38, chr9:2,718,437, plus strand): 5'-GGCTCAAGATCCAGCACGAGCTGCGCGCGCAGGCGCAGGTCGAGGAGGCGGAGGAACTCT[T>TC]CCGCGACATGCGCTTCTACGGCCCGCAGCGGCGCCGCCTCTGGAACCTCATGGAGAAGCC-3'

ClinVar aggregate classification (germline): Pathogenic (1 of 4 stars; one submission).

Submission:

Labcorp Genetics (formerly Invitae), Labcorp
Classification: Pathogenic. Last evaluated: 2023-07-19. Review status: criteria provided, single submitter. Criteria: Invitae Variant Classification Sherloc (09022015). Collection method: clinical testing. Allele origin: germline.
Comment: For these reasons, this variant has been classified as Pathogenic. This variant has not been reported in the literature in individuals affected with KCNV2-related conditions. This variant is not present in population databases (gnomAD no frequency). This sequence change creates a premature translational stop signal (p.Arg234Profs*138) in the KCNV2 gene. It is expected to result in an absent or disrupted protein product. Loss-of-function variants in KCNV2 are known to be pathogenic (PMID: 16909397, 18235024).

Literature cited by the submitters: PubMed 16909397; PubMed 18235024.